The following is an entry in ClinVar:

NM_004606.5(TAF1):c.4685A>G (p.Lys1562Arg)

Gene: TAF1 (TATA-box binding protein associated factor 1; plus strand). Cytogenetic location: Xq13.1.
Variant type: single nucleotide variant.
Coding change: c.4685A>G on transcript NM_004606.5 (MANE Select); coding-DNA position 4685, A replaced by G.
Protein change: p.Lys1562Arg; replaces lysine 1562 with arginine.
Molecular consequence: missense variant. On other transcripts: non-coding transcript variant (9).
Genome position (GRCh38, 1-based): chrX:71,424,170, A>G. VCF-style: chrX-71424170-A-G. GRCh37 (hg19) VCF-style: chrX-70644020-A-G.
Other names: c.4685A>G, p.Lys1562Arg (NM_001286074.2, NM_001440852.1, NM_001440853.1); c.4622A>G, p.Lys1541Arg (NM_001440854.1, NM_138923.4); short protein forms K1541R, K1562R.
Identifiers: ClinVar variation 4292442 (VCV004292442.1).

ClinVar aggregate classification (germline): Uncertain significance (1 of 4 stars; one submission).

Conditions:
Intellectual developmental disorder, X-linked, syndromic 33. Also called: Intellectual disability, X-linked, syndromic 33; X-linked intellectual disability-global development delay-facial dysmorphism-sacral caudal remnant syndrome. Identifiers: Orphanet 480907, MedGen C4225418, MONDO:0010500, OMIM 300966.

Submission:

3billion
Classification: Uncertain significance for Intellectual developmental disorder, X-linked, syndromic 33. Last evaluated: 2025-02-20. Review status: criteria provided, single submitter. Criteria: ACMG Guidelines, 2015. Collection method: clinical testing. Allele origin: germline. Affected: yes.
Comment: The variant is not observed in the gnomAD v4.1.0 dataset. Predicted Consequence/Location: Missense variant. Missense changes are a common disease-causing mechanism. In silico tool predictions suggest no damaging effect of the variant on gene or gene product [REVEL: 0.11 (<0.4); 3Cnet: 0.02 (<0.15, specificity 0.78 and negative predictive value 0.92)]. Therefore, this variant is classified as VUS according to the recommendation of ACMG/AMP guideline.